The following is an entry in ClinVar:

ClinVar aggregate classification (germline): Benign. Review status: criteria provided, multiple submitters, no conflicts (2 of 4 stars). 2 submissions from 2 submitters: Benign (2). Last evaluated 2024-07-15.

Submissions (2):

Unidad de Genómica Garrahan, Hospital de Pediatría Garrahan
Classification: Benign. Last evaluated: 2024-07-15. Review status: criteria provided, single submitter. Criteria: ACMG Guidelines, 2015. Collection method: clinical testing. Allele origin: germline. Affected: no. Observed: 67 variant alleles.
Comment: This variant is classified as Benign based on local population frequency. This variant was detected in 72% of patients studied in a panel designed for Epileptic and Developmental Encephalopathy and Progressive Myoclonus Epilepsy. Number of patients: 67. Only high quality variants are reported.

GeneDx
Classification: Benign. Last evaluated: 2019-08-10. Review status: criteria provided, single submitter. Criteria: GeneDx Variant Classification Process June 2021. Collection method: clinical testing. Allele origin: germline. Affected: yes.

NM_000092.5(COL4A4):c.976-36dup

Gene: COL4A4 (collagen type IV alpha 4 chain; minus strand). Cytogenetic location: 2q36.3.
Variant type: Duplication.
Coding change: c.976-36dup on transcript NM_000092.5 (MANE Select); 36 bases into the intron before coding-DNA position 976, one base duplicated (T; older notation c.976-36dupT).
Molecular consequence: intron variant.
Genome position (GRCh38, 1-based): chr2:227,101,583, A duplicated on the plus strand (T on the coding strand, the reverse complement: COL4A4 is on the minus strand); the first of 11 consecutive A bases (chr2:227,101,583-227,101,593); duplicating any one gives the same sequence. VCF-style (leftmost placement, unchanged base first): chr2-227101582-T-TA. GRCh37 (hg19) VCF-style: chr2-227966298-T-TA.
Identifiers: ClinVar variation 1268097 (VCV001268097.4), dbSNP rs59443812, ClinGen allele CA2145324.